The following is an entry in ClinVar:

ClinVar aggregate classification (germline): Pathogenic (1 of 4 stars; one submission).

Submission:

Labcorp Genetics (formerly Invitae), Labcorp
Classification: Pathogenic. Last evaluated: 2021-10-27. Review status: criteria provided, single submitter. Criteria: Invitae Variant Classification Sherloc (09022015). Collection method: clinical testing. Allele origin: germline.
Comment: This sequence change creates a premature translational stop signal (p.Asn62Metfs*52) in the CDH23 gene. It is expected to result in an absent or disrupted protein product. Loss-of-function variants in CDH23 are known to be pathogenic (PMID: 11138009, 21940737). For these reasons, this variant has been classified as Pathogenic. This variant has not been reported in the literature in individuals affected with CDH23-related conditions. This variant is not present in population databases (gnomAD no frequency).

Literature cited by the submitters: PubMed 11138009; PubMed 21940737.

NM_022124.6(CDH23):c.185del (p.Asn62fs)

Genes: CDH23 (cadherin related 23; plus strand), CDH23-AS1 (CDH23 antisense RNA 1; minus strand). Cytogenetic location: 10q22.1.
Variant type: Deletion.
Coding change: c.185del on transcript NM_022124.6 (MANE Select); coding-DNA position 185, one base deleted (A; older notation c.185delA).
Protein change: p.Asn62fs; shifts the reading frame from asparagine 62.
Molecular consequence: frameshift variant.
Genome position (GRCh38, 1-based): chr10:71,510,121, A deleted; the last of 2 consecutive A bases (chr10:71,510,120-71,510,121); deleting either gives the same sequence. VCF-style (leftmost placement, unchanged base first): chr10-71510119-CA-C. GRCh37 (hg19) VCF-style: chr10-73269876-CA-C.
Other names: c.185del, p.Asn62fs (NM_001171930.2, NM_001171931.2, NM_001171932.2 and 1 more transcripts); short protein forms N62fs.
Identifiers: ClinVar variation 1456735 (VCV001456735.6), dbSNP rs2132195841, ClinGen allele CA2573145346.